The following is an entry in ClinVar:

ClinVar aggregate classification (germline): Likely benign (0 of 4 stars; one submission).

Conditions:
EPPK1-related disorder. Also called: EPPK1-related condition.

Allele frequency attached by ClinVar (database versions not stated): TOPMed 0.00011; gnomAD 0.00016; ExAC 0.00017; ESP Exome Variant Server 0.00008; 1000 Genomes Project 30x 0.00125; 1000 Genomes Project 0.00140.
gnomAD v4.1: 113 of 1,613,388 alleles (0.007%); highest among the groups gnomAD compares: East Asian, 0.1%; no homozygotes.

Submission:

PreventionGenetics, part of Exact Sciences
Classification: Likely benign for EPPK1-related condition. Last evaluated: 2021-05-07. Review status: no assertion criteria provided. Collection method: clinical testing. Allele origin: germline.
Comment: This variant is classified as likely benign based on ACMG/AMP sequence variant interpretation guidelines (Richards et al. 2015 PMID: 25741868, with internal and published modifications).

NM_031308.4(EPPK1):c.5355C>T (p.Arg1785=)

Gene: EPPK1 (epiplakin 1; minus strand). Cytogenetic location: 8q24.3.
Variant type: single nucleotide variant.
Coding change: c.5355C>T on transcript NM_031308.4 (MANE Select); coding-DNA position 5355, C replaced by T.
Protein change: p.Arg1785=; no amino-acid change (arginine 1785 retained).
Molecular consequence: synonymous variant.
Genome position (GRCh38, 1-based): chr8:143,867,899, G>A on the plus strand (C>T on the coding strand, the complement: EPPK1 is on the minus strand). VCF-style: chr8-143867899-G-A. GRCh37 (hg19) VCF-style: chr8-144942067-G-A.
Identifiers: ClinVar variation 3054568 (VCV003054568.2), dbSNP rs184979586, ClinGen allele CA4922158.
Genomic context (GRCh38, chr8:143,867,899, plus strand): 5'-GAAGTATGGAGAGGACAGCAGGTCCCAGAAAGAGACCACCTGGTCAGCAAACCTCCCCAC[G>A]CGCATTTTTGCAGTTCTGGATTGCAACACGTGTCTCGTGGCCTCATTGATGTACACGTAG-3'
Protein context (NP_112598.3, residues 1775-1795): HVLQSRTAKM[Arg1785=]VGRFADQVVS